The following is an entry in ClinVar:

ClinVar aggregate classification (germline): Pathogenic (1 of 4 stars; one submission).

Conditions:
Spastic paraplegia. Identifiers: MedGen C0037772, HP:0001258.

Submission:

Labcorp Genetics (formerly Invitae), Labcorp
Classification: Pathogenic for Spastic paraplegia. Last evaluated: 2024-05-31. Review status: criteria provided, single submitter. Criteria: Invitae Variant Classification Sherloc (09022015). Collection method: clinical testing. Allele origin: germline.
Comment: This sequence change creates a premature translational stop signal (p.Gln437*) in the KIF5A gene. It is expected to result in an absent or disrupted protein product. Loss-of-function variants in KIF5A are known to be pathogenic (PMID: 26374131). This variant is not present in population databases (gnomAD no frequency). This variant has not been reported in the literature in individuals affected with KIF5A-related conditions. For these reasons, this variant has been classified as Pathogenic.

Literature cited by the submitters: PubMed 26374131.

NM_004984.4(KIF5A):c.1309C>T (p.Gln437Ter)

Gene: KIF5A (kinesin family member 5A; plus strand). Cytogenetic location: 12q13.3.
Variant type: single nucleotide variant.
Coding change: c.1309C>T on transcript NM_004984.4 (MANE Select); coding-DNA position 1309, C replaced by T.
Protein change: p.Gln437Ter; replaces glutamine 437 with a stop codon.
Molecular consequence: nonsense.
Genome position (GRCh38, 1-based): chr12:57,571,336, C>T. VCF-style: chr12-57571336-C-T. GRCh37 (hg19) VCF-style: chr12-57965119-C-T.
Other names: c.1042C>T, p.Gln348Ter (NM_001354705.2); short protein forms Q437*, Q348*.
Identifiers: ClinVar variation 3632245 (VCV003632245.2).
Genomic context (GRCh38, chr12:57,571,336, plus strand): 5'-AGGAGTAGCTTCCCTTCACCTGTCTTTCCCTGTTGCCTCCAACAGGATGATGAAATCAAC[C>T]AACAAAGCCAACTCATAGAGAAGCTCAAGCAGCAAATGCTGGACCAGGAAGAGGTAATAG-3'